The following is an entry in ClinVar:

ClinVar aggregate classification (germline): Uncertain significance (1 of 4 stars; one submission).

Conditions:
Inborn genetic diseases. Identifiers: MedGen C0950123, MeSH D030342.

Submission:

Ambry Genetics
Classification: Uncertain significance for Inborn genetic diseases. Last evaluated: 2024-01-11. Review status: criteria provided, single submitter. Criteria: Ambry Variant Classification Scheme 2023. Collection method: clinical testing. Allele origin: germline.
Comment: The p.K871N variant (also known as c.2613A>C), located in coding exon 20 of the LRRK2 gene, results from an A to C substitution at nucleotide position 2613. The lysine at codon 871 is replaced by asparagine, an amino acid with similar properties. This amino acid position is conserved. In addition, this alteration is predicted to be tolerated by in silico analysis. Since supporting evidence is limited at this time, the clinical significance of this alteration remains unclear.

NM_198578.4(LRRK2):c.2613A>C (p.Lys871Asn)

Gene: LRRK2 (leucine rich repeat kinase 2; plus strand). Cytogenetic location: 12q12.
Variant type: single nucleotide variant.
Coding change: c.2613A>C on transcript NM_198578.4 (MANE Select); coding-DNA position 2613, A replaced by C.
Protein change: p.Lys871Asn; replaces lysine 871 with asparagine.
Molecular consequence: missense variant.
Genome position (GRCh38, 1-based): chr12:40,287,463, A>C. VCF-style: chr12-40287463-A-C. GRCh37 (hg19) VCF-style: chr12-40681265-A-C.
Other names: short protein forms K871N.
Identifiers: ClinVar variation 3229565 (VCV003229565.1), dbSNP rs2499679957, ClinGen allele CA384408904.
Genomic context (GRCh38, chr12:40,287,463, plus strand): 5'-TGTGGAAGAAGGAACAGCCTCAGGCAGCGATGGAAATTTTTCTGAAGATGTGCTGTCTAA[A>C]TTTGATGAATGGACCTTTATTCCTGACTCTTCTATGGACAGTGTGTTTGCTCAAAGTGAT-3'
Protein context (NP_940980.4, residues 861-881): DGNFSEDVLS[Lys871Asn]FDEWTFIPDS